The following is an entry in ClinVar:

ClinVar aggregate classification (germline): Uncertain significance (1 of 4 stars; one submission).

Allele frequency attached by ClinVar (database versions not stated): ExAC 0.00001; gnomAD exomes 0.00001; TOPMed 0.00001; gnomAD 0.00003.
gnomAD v4.1: 22 of 1,613,254 alleles (0.0014%); highest among the groups gnomAD compares: Non-Finnish European, 0.0014%; no homozygotes.

Submission:

Ambry Genetics
Classification: Uncertain significance. Last evaluated: 2023-09-07. Review status: criteria provided, single submitter. Criteria: Ambry Variant Classification Scheme 2023. Collection method: clinical testing. Allele origin: germline.
Comment: The p.A323S variant (also known as c.967G>T), located in coding exon 10 of the BUB1 gene, results from a G to T substitution at nucleotide position 967. The alanine at codon 323 is replaced by serine, an amino acid with similar properties. This amino acid position is conserved. In addition, this alteration is predicted to be tolerated by in silico analysis. Since supporting evidence is limited at this time, the clinical significance of this alteration remains unclear.

NM_004336.5(BUB1):c.967G>T (p.Ala323Ser)

Gene: BUB1 (BUB1 mitotic checkpoint serine/threonine kinase; minus strand). Cytogenetic location: 2q13.
Variant type: single nucleotide variant.
Coding change: c.967G>T on transcript NM_004336.5 (MANE Select); coding-DNA position 967, G replaced by T.
Protein change: p.Ala323Ser; replaces alanine 323 with serine.
Molecular consequence: missense variant.
Genome position (GRCh38, 1-based): chr2:110,661,832, C>A on the plus strand (G>T on the coding strand, the complement: BUB1 is on the minus strand). VCF-style: chr2-110661832-C-A. GRCh37 (hg19) VCF-style: chr2-111419409-C-A.
Other names: c.907G>T, p.Ala303Ser (NM_001278616.2); c.967G>T, p.Ala323Ser (NM_001278617.2); short protein forms A323S, A303S.
Identifiers: ClinVar variation 1767776 (VCV001767776.3), dbSNP rs758411496, ClinGen allele CA1828185.
Genomic context (GRCh38, chr2:110,661,832, plus strand): 5'-TTACTGGAAGACATGGCGCTCTCAGTTCCTGCTGGGAGCCTACACTTGGCCCCATACGTG[C>A]TGGATTAACCTTTCATATTAAACAAACAAACAACAAAAACAAAACCATGAAGTCCAGAAT-3'
Protein context (NP_004327.1, residues 313-333): ASQERSEVNP[Ala323Ser]RMGPSVGSQQ